The following is an entry in ClinVar:

ClinVar aggregate classification (germline): Uncertain significance (1 of 4 stars; one submission).

Conditions:
Bardet-Biedl syndrome (BBS). Identifiers: Orphanet 110, MedGen C0752166, MONDO:0015229.

Allele frequency attached by ClinVar (database versions not stated): gnomAD exomes below 0.00001.
gnomAD v4.1: 2 of 1,613,524 alleles (0.00012%); highest among the groups gnomAD compares: Non-Finnish European, 0.00017%; no homozygotes.

Submission:

Labcorp Genetics (formerly Invitae), Labcorp
Classification: Uncertain significance for Bardet-Biedl syndrome. Last evaluated: 2022-08-16. Review status: criteria provided, single submitter. Criteria: Invitae Variant Classification Sherloc (09022015). Collection method: clinical testing. Allele origin: germline.
Comment: This sequence change replaces serine, which is neutral and polar, with asparagine, which is neutral and polar, at codon 525 of the WDPCP protein (p.Ser525Asn). This variant is present in population databases (no rsID available, gnomAD 0.0009%). In summary, the available evidence is currently insufficient to determine the role of this variant in disease. Therefore, it has been classified as a Variant of Uncertain Significance. Algorithms developed to predict the effect of missense changes on protein structure and function (SIFT, PolyPhen-2, Align-GVGD) all suggest that this variant is likely to be tolerated. This variant has not been reported in the literature in individuals affected with WDPCP-related conditions.

NM_015910.7(WDPCP):c.1574G>A (p.Ser525Asn)

Gene: WDPCP (WD repeat containing planar cell polarity effector; minus strand). Cytogenetic location: 2p15.
Variant type: single nucleotide variant.
Coding change: c.1574G>A on transcript NM_015910.7 (MANE Select); coding-DNA position 1574, G replaced by A.
Protein change: p.Ser525Asn; replaces serine 525 with asparagine.
Molecular consequence: missense variant. On other transcripts: non-coding transcript variant (3).
Genome position (GRCh38, 1-based): chr2:63,381,956, C>T on the plus strand (G>A on the coding strand, the complement: WDPCP is on the minus strand). VCF-style: chr2-63381956-C-T. GRCh37 (hg19) VCF-style: chr2-63609091-C-T.
Other names: c.1097G>A, p.Ser366Asn (NM_001042692.3); c.1502G>A, p.Ser501Asn (NM_001354044.2); c.1574G>A, p.Ser525Asn (NM_001354045.2); short protein forms S525N, S366N, S501N.
Identifiers: ClinVar variation 2155412 (VCV002155412.4), dbSNP rs1402538022, ClinGen allele CA347063208.